The following is an entry in ClinVar:

NM_015557.3(CHD5):c.4303G>A (p.Ala1435Thr)

Gene: CHD5 (chromodomain helicase DNA binding protein 5; minus strand). Cytogenetic location: 1p36.31.
Variant type: single nucleotide variant.
Coding change: c.4303G>A on transcript NM_015557.3 (MANE Select); coding-DNA position 4303, G replaced by A.
Protein change: p.Ala1435Thr; replaces alanine 1435 with threonine.
Molecular consequence: missense variant.
Genome position (GRCh38, 1-based): chr1:6,125,191, C>T on the plus strand (G>A on the coding strand, the complement: CHD5 is on the minus strand). VCF-style: chr1-6125191-C-T. GRCh37 (hg19) VCF-style: chr1-6185251-C-T.
Other names: c.4303G>A (NM_015557.2); short protein forms A1435T.
Identifiers: ClinVar variation 1701092 (VCV001701092.34), dbSNP rs1449170317, ClinGen allele CA338072502.

ClinVar aggregate classification (germline): Uncertain significance. Review status: criteria provided, multiple submitters, no conflicts (2 of 4 stars). 2 submissions from 2 submitters: Uncertain significance (2). Last evaluated 2022-07-01.

Conditions:
Inborn genetic diseases. Identifiers: MedGen C0950123, MeSH D030342.

Allele frequency attached by ClinVar (database versions not stated): gnomAD exomes below 0.00001; TOPMed 0.00001.
gnomAD v4.1: 3 of 1,607,028 alleles (0.00019%); highest among the groups gnomAD compares: Non-Finnish European, 0.00017%; no homozygotes.

Submissions (2):

CeGaT Center for Human Genetics Tuebingen
Classification: Uncertain significance. Last evaluated: 2022-07-01. Review status: criteria provided, single submitter. Criteria: CeGaT Center For Human Genetics Tuebingen Variant Classification Criteria Version 2. Collection method: clinical testing. Allele origin: germline. Affected: yes. Observed: 1 variant allele.
Comment: CHD5: PM2, PP2

Ambry Genetics
Classification: Uncertain significance for Inborn genetic diseases. Last evaluated: 2021-08-17. Review status: criteria provided, single submitter. Criteria: Ambry Variant Classification Scheme 2023. Collection method: clinical testing. Allele origin: germline.